The following is an entry in ClinVar:

ClinVar aggregate classification (germline): Conflicting classifications of pathogenicity. Review status: criteria provided, conflicting classifications (1 of 4 stars). 4 submissions from 4 submitters: Likely pathogenic (2); Uncertain significance (2). Last evaluated 2026-01-25.

Allele frequency attached by ClinVar (database versions not stated): TOPMed below 0.00001; ExAC 0.00001; gnomAD exomes 0.00001.
gnomAD v4.1: 8 of 1,612,786 alleles (0.0005%); highest among the groups gnomAD compares: East Asian, 0.0022%; no homozygotes.

Submissions (4):

Labcorp Genetics (formerly Invitae), Labcorp
Classification: Uncertain significance. Last evaluated: 2026-01-25. Review status: criteria provided, single submitter. Criteria: Invitae Variant Classification Sherloc (09022015). Collection method: clinical testing. Allele origin: germline.
Comment: This sequence change affects a donor splice site in intron 7 of the COL9A3 gene. Variants that disrupt the donor or acceptor splice site typically lead to a loss of protein function (PMID:16199547), however it is unknown whether splice variants in this region will result in a loss of function. This variant is present in population databases (rs766029215, gnomAD 0.003%). This variant has not been reported in the literature in individuals affected with COL9A3-related conditions. ClinVar contains an entry for this variant (Variation ID: 373195). Algorithms developed to predict the effect of sequence changes on RNA splicing suggest that this variant may disrupt the consensus splice site. In summary, the available evidence is currently insufficient to determine the role of this variant in disease. Therefore, it has been classified as a Variant of Uncertain Significance.

Blueprint Genetics
Classification: Uncertain significance. Last evaluated: 2022-12-28. Review status: criteria provided, single submitter. Criteria: ACMG Guidelines, 2015. Collection method: clinical testing. Allele origin: germline.

Revvity Omics, Revvity
Classification: Likely pathogenic. Last evaluated: 2019-12-20. Review status: criteria provided, single submitter. Criteria: ACMG Guidelines, 2015. Collection method: clinical testing. Allele origin: germline.

GeneDx
Classification: Likely pathogenic. Last evaluated: 2016-11-23. Review status: criteria provided, single submitter. Criteria: GeneDx Variant Classification (06012015). Collection method: clinical testing. Allele origin: germline. Affected: yes.
Comment: The c.369+1G>A variant in the COL9A3 gene has not been reported previously as a pathogenic variant, nor as a benign variant, to our knowledge. This splice site variant destroys the canonical splice donor site in intron 7, which is predicted to cause abnormal gene splicing. The c.369+1G>A variant was not observed in approximately 6,500 individuals of European and African American ancestry in the NHLBI Exome Sequencing Project, indicating it is not a common benign variant in these populations. The c.369+1G>A variant is a strong candidate for a pathogenic variant, however the possibility it may be a rare benign variant cannot be excluded.

Literature cited by the submitters: PubMed 16199547 (cited by Labcorp Genetics (formerly Invitae), Labcorp).

NM_001853.4(COL9A3):c.369+1G>A

Gene: COL9A3 (collagen type IX alpha 3 chain; plus strand). Cytogenetic location: 20q13.33.
Variant type: single nucleotide variant.
Coding change: c.369+1G>A on transcript NM_001853.4 (MANE Select); the canonical splice donor site of the intron after coding-DNA position 369, G replaced by A.
Molecular consequence: splice donor variant.
Genome position (GRCh38, 1-based): chr20:62,821,531, G>A. VCF-style: chr20-62821531-G-A. GRCh37 (hg19) VCF-style: chr20-61452883-G-A.
Identifiers: ClinVar variation 373195 (VCV000373195.8), dbSNP rs766029215, ClinGen allele CA9949203.